The following is an entry in ClinVar:

NM_000125.4(ESR1):c.805C>T (p.Arg269Cys)

Gene: ESR1 (estrogen receptor 1; plus strand). Cytogenetic location: 6q25.1.
Variant type: single nucleotide variant.
Coding change: c.805C>T on transcript NM_000125.4 (MANE Select); coding-DNA position 805, C replaced by T.
Protein change: p.Arg269Cys; replaces arginine 269 with cysteine.
Molecular consequence: missense variant.
Genome position (GRCh38, 1-based): chr6:151,944,217, C>T. VCF-style: chr6-151944217-C-T. GRCh37 (hg19) VCF-style: chr6-152265352-C-T.
Other names: c.805C>T, p.Arg269Cys (NM_001122740.2, NM_001122741.2, NM_001122742.2 and 5 more transcripts); c.811C>T, p.Arg271Cys (NM_001291230.2); c.802C>T, p.Arg268Cys (NM_001291241.2); c.286C>T, p.Arg96Cys (NM_001328100.2); short protein forms R268C, R269C, R271C, R96C.
Identifiers: ClinVar variation 1180193 (VCV001180193.3), dbSNP rs142712646, ClinGen allele CA4052301.

ClinVar aggregate classification (germline): Likely benign. Review status: criteria provided, multiple submitters, no conflicts (2 of 4 stars). 2 submissions from 2 submitters: Likely benign (2). Last evaluated 2020-10-19.

Allele frequency attached by ClinVar (database versions not stated): 1000 Genomes Project 30x 0.00062; 1000 Genomes Project 0.00080; gnomAD exomes 0.00090 and 0.00107; ExAC 0.00095; TOPMed 0.00097; gnomAD 0.00102 and 0.00103; ESP Exome Variant Server 0.00200.
gnomAD v4.1: 1,707 of 1,613,956 alleles (0.11%); highest among the groups gnomAD compares: Middle Eastern, 0.35%; 3 homozygotes.

Submissions (2):

GeneDx
Classification: Likely benign. Last evaluated: 2020-10-19. Review status: criteria provided, single submitter. Criteria: GeneDx Variant Classification Process June 2021. Collection method: clinical testing. Allele origin: germline. Affected: yes.
Comment: In silico analysis, which includes protein predictors and evolutionary conservation, supports a deleterious effect; This variant is associated with the following publications: (PMID: 32075053, 28815558, 27994185, 32513126)

Breakthrough Genomics
Classification: Likely benign. Review status: criteria provided, single submitter. Criteria: ACMG Guidelines, 2015. Collection method: not provided. Allele origin: germline. Inheritance: Autosomal recessive inheritance. Affected: yes.